The following is an entry in ClinVar:

NM_014698.3(TMEM63A):c.1658G>A (p.Gly553Asp)

Gene: TMEM63A (transmembrane protein 63A; minus strand). Cytogenetic location: 1q42.12.
Variant type: single nucleotide variant.
Coding change: c.1658G>A on transcript NM_014698.3 (MANE Select); coding-DNA position 1658, G replaced by A.
Protein change: p.Gly553Asp; replaces glycine 553 with aspartic acid.
Molecular consequence: missense variant.
Genome position (GRCh38, 1-based): chr1:225,853,768, C>T on the plus strand (G>A on the coding strand, the complement: TMEM63A is on the minus strand). VCF-style: chr1-225853768-C-T. GRCh37 (hg19) VCF-style: chr1-226041469-C-T.
Other names: short protein forms G553D.
Identifiers: ClinVar variation 3068720 (VCV003068720.2).

ClinVar aggregate classification (germline): Likely pathogenic (1 of 4 stars; one submission).

Conditions:
Leukodystrophy, hypomyelinating, 19, transient infantile. Identifiers: MedGen C5231463, MONDO:0032871, OMIM 618688.

Submission:

Department of Child Neurology, National Center Hospital, National Center of Neurology and Psychiatry
Classification: Likely pathogenic for Leukodystrophy, hypomyelinating, 19, transient infantile. Last evaluated: 2024-03-13. Review status: criteria provided, single submitter. Criteria: ACMG Guidelines, 2015. Collection method: clinical testing. Allele origin: germline. Inheritance: Autosomal dominant inheritance. Affected: yes. Observed: 4 variant alleles, 4 heterozygotes. Clinical features observed: Cerebral white matter hypoplasia (HP:0012430), Motor delay (HP:0001270), Nystagmus (HP:0000639).
Comment: The Gly567Ser, Ile462Asn, Gly168Glu, Try559His and Gly553Val variant in TMEM63A have been reported (Yan 2019, Tonduti 2021, Fukumura 2022). The Gly553Asp variant in TMEM63A was not observed in the Genome Aggregation Database v4.0.0 (accessed March 5, 2024) and a 54KJPN Allele Frequency Panel (accessed March 5, 2024)). A disease-associated alternation at the same residue (c.1658G>T, p.(Gly553Val)] was reported(Fukumura 2022). The altered residue was located in the TM6 which functions as a gating helix in TMEM63A(Zheng 2023), wherein 3 out of 5 reported alterations accumulated. Multiple in silico prediction tools predicted this variant to be damaging. According to the American College of Medical Genetics and Genomics standards and guidelines and the ClinGen Sequence Variant Interpretation Working Group recommendations, this variant was classified as likely pathogenic (PM5, PM2_supporting, PP1_moderate, PP3). Together with the fact that the clinical characteristics of our cases were consistent with previously reported cases with HLD19.

Literature cited by the submitters: DOI 10.1038/gim.2015.30; DOI 10.1016/j.ajhg.2023.11.009.